The following is an entry in ClinVar:

ClinVar aggregate classification (germline): Likely pathogenic (1 of 4 stars; one submission).

Conditions:
Nemaline myopathy 8 (NEM8). Also called: Nemaline myopathy 8, autosomal recessive. Identifiers: Orphanet 171430, MedGen C3809209, MONDO:0014138, OMIM 615348.

Allele frequency attached by ClinVar (database versions not stated): gnomAD exomes below 0.00001.
gnomAD v4.1: 1 of 1,603,228 alleles (0.000062%); no homozygotes.

Submission:

Labcorp Genetics (formerly Invitae), Labcorp
Classification: Likely pathogenic for Nemaline myopathy 8. Last evaluated: 2022-08-23. Review status: criteria provided, single submitter. Criteria: Invitae Variant Classification Sherloc (09022015). Collection method: clinical testing. Allele origin: germline.
Comment: Algorithms developed to predict the effect of sequence changes on RNA splicing suggest that this variant may disrupt the consensus splice site. In summary, the currently available evidence indicates that the variant is pathogenic, but additional data are needed to prove that conclusively. Therefore, this variant has been classified as Likely Pathogenic. This variant has not been reported in the literature in individuals affected with KLHL40-related conditions. This sequence change affects a donor splice site in intron 1 of the KLHL40 gene. It is expected to disrupt RNA splicing. Variants that disrupt the donor or acceptor splice site typically lead to a loss of protein function (PMID: 16199547), and loss-of-function variants in KLHL40 are known to be pathogenic (PMID: 23746549). This variant is present in population databases (no rsID available, gnomAD 0.005%).

Literature cited by the submitters: PubMed 16199547; PubMed 23746549.

NM_152393.4(KLHL40):c.1152+1G>A

Gene: KLHL40 (kelch like family member 40; plus strand). Cytogenetic location: 3p22.1.
Variant type: single nucleotide variant.
Coding change: c.1152+1G>A on transcript NM_152393.4 (MANE Select); the canonical splice donor site of the intron after coding-DNA position 1152, G replaced by A.
Molecular consequence: splice donor variant.
Genome position (GRCh38, 1-based): chr3:42,686,771, G>A. VCF-style: chr3-42686771-G-A. GRCh37 (hg19) VCF-style: chr3-42728263-G-A.
Identifiers: ClinVar variation 2180504 (VCV002180504.4), dbSNP rs1440284508, ClinGen allele CA352292687.